The following is an entry in ClinVar:

ClinVar aggregate classification (germline): Uncertain significance (1 of 4 stars; one submission).

Conditions:
Niemann-Pick disease, type C1. Also called: NIEMANN-PICK DISEASE, VARIANT TYPE C1; NEUROVISCERAL STORAGE DISEASE WITH VERTICAL SUPRANUCLEAR OPHTHALMOPLEGIA; NIEMANN-PICK DISEASE WITH CHOLESTEROL ESTERIFICATION BLOCK; NIEMANN-PICK DISEASE WITHOUT SPHINGOMYELINASE DEFICIENCY; NIEMANN-PICK DISEASE, CHRONIC NEURONOPATHIC FORM. Identifiers: Orphanet 646, MedGen C3179455, MONDO:0009757, OMIM 257220.

Allele frequency attached by ClinVar (database versions not stated): gnomAD 0.00001; gnomAD exomes 0.00001; TOPMed 0.00001.

Submission:

Labcorp Genetics (formerly Invitae), Labcorp
Classification: Uncertain significance for Niemann-Pick disease, type C1. Last evaluated: 2023-04-24. Review status: criteria provided, single submitter. Criteria: Invitae Variant Classification Sherloc (09022015). Collection method: clinical testing. Allele origin: germline.
Comment: This sequence change replaces isoleucine, which is neutral and non-polar, with methionine, which is neutral and non-polar, at codon 1210 of the NPC1 protein (p.Ile1210Met). In summary, the available evidence is currently insufficient to determine the role of this variant in disease. Therefore, it has been classified as a Variant of Uncertain Significance. Advanced modeling of protein sequence and biophysical properties (such as structural, functional, and spatial information, amino acid conservation, physicochemical variation, residue mobility, and thermodynamic stability) performed at Invitae indicates that this missense variant is expected to disrupt NPC1 protein function. ClinVar contains an entry for this variant (Variation ID: 1006932). This variant has not been reported in the literature in individuals affected with NPC1-related conditions. This variant is present in population databases (no rsID available, gnomAD 0.01%).

NM_000271.5(NPC1):c.3630T>G (p.Ile1210Met)

Gene: NPC1 (NPC intracellular cholesterol transporter 1; minus strand). Cytogenetic location: 18q11.2.
Variant type: single nucleotide variant.
Coding change: c.3630T>G on transcript NM_000271.5 (MANE Select); coding-DNA position 3630, T replaced by G.
Protein change: p.Ile1210Met; replaces isoleucine 1210 with methionine.
Molecular consequence: missense variant.
Genome position (GRCh38, 1-based): chr18:23,533,479, A>C on the plus strand (T>G on the coding strand, the complement: NPC1 is on the minus strand). VCF-style: chr18-23533479-A-C. GRCh37 (hg19) VCF-style: chr18-21113443-A-C.
Other names: short protein forms I1210M.
Identifiers: ClinVar variation 1006932 (VCV001006932.3), dbSNP rs1178040336, ClinGen allele CA401790766.
Genomic context (GRCh38, chr18:23,533,479, plus strand): 5'-CAAATACATCCTGAAGTAGAATATCTGGAAAATTTGAGATTTGGCAAAAGCCAACACCAC[A>C]ATCCCTCCAAATTTTGTAAGTGTGATTCCACTGAACACCTAAAAGAAGAGATACTGTGTT-3'
Protein context (NP_000262.2, residues 1200-1220): SGITLTKFGG[Ile1210Met]VVLAFAKSQI